The following is an entry in ClinVar:

ClinVar aggregate classification (germline): Likely benign (1 of 4 stars; one submission).

gnomAD v4.1: 1 of 1,610,776 alleles (0.000062%); no homozygotes.

Submission:

CeGaT Center for Human Genetics Tuebingen
Classification: Likely benign. Last evaluated: 2026-02-01. Review status: criteria provided, single submitter. Criteria: CeGaT Center For Human Genetics Tuebingen Variant Classification Criteria Version 2. Collection method: clinical testing. Allele origin: germline. Affected: yes. Observed: 1 variant allele.
Comment: HTT: BP4, BP7

NM_001388492.1(HTT):c.3450C>T (p.Asn1150=)

Gene: HTT (huntingtin; plus strand). Cytogenetic location: 4p16.3.
Variant type: single nucleotide variant.
Coding change: c.3450C>T on transcript NM_001388492.1 (MANE Select); coding-DNA position 3450, C replaced by T.
Protein change: p.Asn1150=; no amino-acid change (asparagine 1150 retained).
Molecular consequence: synonymous variant.
Genome position (GRCh38, 1-based): chr4:3,148,159, C>T. VCF-style: chr4-3148159-C-T. GRCh37 (hg19) VCF-style: chr4-3149886-C-T.
Other names: c.3456C>T, p.Asn1152= (NM_002111.8).
Identifiers: ClinVar variation 4874423 (VCV004874423.2).
Genomic context (GRCh38, chr4:3,148,159, plus strand): 5'-GGACCGGGCCCTGGTGCCCATGGTGGAGCAGCTCTTCTCTCACCTGCTGAAGGTGATTAA[C>T]ATTTGTGCCCACGTCCTGGATGACGTGGCTCCTGGACCCGCAATAAAGGTAATGTCCCAC-3'
Protein context (NP_001375421.1, residues 1140-1160): QLFSHLLKVI[Asn1150=]ICAHVLDDVA